The following is an entry in ClinVar:

NM_000206.3(IL2RG):c.703C>T (p.Gln235Ter)

Gene: IL2RG (interleukin 2 receptor subunit gamma; minus strand). Cytogenetic location: Xq13.1.
Variant type: single nucleotide variant.
Coding change: c.703C>T on transcript NM_000206.3 (MANE Select); coding-DNA position 703, C replaced by T.
Protein change: p.Gln235Ter; replaces glutamine 235 with a stop codon.
Molecular consequence: nonsense.
Genome position (GRCh38, 1-based): chrX:71,109,282, G>A on the plus strand (C>T on the coding strand, the complement: IL2RG is on the minus strand). VCF-style: chrX-71109282-G-A. GRCh37 (hg19) VCF-style: chrX-70329132-G-A.
Other names: NM_000206.3(IL2RG):c.703C>T; p.Gln235Ter; short protein forms Q235*.
Identifiers: ClinVar variation 503682 (VCV000503682.4), dbSNP rs1556330249, ClinGen allele CA413495931.

ClinVar aggregate classification (germline): Pathogenic. Review status: reviewed by expert panel (3 of 4 stars). 3 submissions from 3 submitters: Pathogenic (1). 2 of the submissions do not count toward it. Last evaluated 2024-06-13.

Conditions:
X-linked severe combined immunodeficiency (SCIDX1). Also called: X-Linked Combined Immunodeficiency Diseases; IMMUNODEFICIENCY 4; SCID, X-LINKED; SEVERE COMBINED IMMUNODEFICIENCY, X-LINKED, T CELL-NEGATIVE, B CELL-POSITIVE, NK CELL-NEGATIVE; T-B+ severe combined immunodeficiency due to gamma chain deficiency. Identifiers: Orphanet 276, MedGen C6022468, MONDO:0010315, OMIM 300400. Disease mechanism: loss of function.

Submissions (3):

ClinGen Severe Combined Immunodeficiency Variant Curation Expert Panel, ClinGen
Classification: Pathogenic for X-linked severe combined immunodeficiency. Last evaluated: 2024-06-13. Review status: reviewed by expert panel. Criteria: ClinGen SCID ACMG Specifications IL2RG V1.0.0. Collection method: curation. Allele origin: germline. Inheritance: X-linked inheritance.
Comment: The c.703C>T (p.Gln235Ter) (NM_000206.3) variant in IL2RG is a nonsense variant predicted to cause a premature stop codon in biologically relevant exon 5/8, leading to nonsense-mediated decay in a gene in which loss-of-function is an established disease mechanism (PVS1 Met). This variant is absent from gnomAD v4 (PM2_Supporting). At least one proband in the literature present: Diagnostic criteria for SCID/Leaky SCID/Omenn syndrome met (0.5 pts) + XY male sex (0.5 pts) + T-B+NK- lymphocyte subset profile (0.5 pts), the total is 1.5 pts, PP4 is met (PMID: 11129345). In summary, this variant meets the criteria to be classified as Pathogenic for X-linked T-B+ severe combined immunodeficiency due to gamma chain deficiency based on the ACMG/AMP criteria applied, as specified by the ClinGen SCID VCEP: PVS1, PM2_Supporting, and PP4 (VCEP specifications version 1).

GeneDx
Classification: Pathogenic. Last evaluated: 2020-04-20. Review status: criteria provided, single submitter. Criteria: GeneDx Variant Classification Process June 2021. Collection method: clinical testing. Allele origin: germline. Affected: yes. Not counted in ClinVar's aggregate classification.
Comment: Nonsense variant predicted to result in protein truncation or nonsense mediated decay in a gene for which loss-of-function is a known mechanism of disease; Not observed in large population cohorts (Lek et al., 2016); This variant is associated with the following publications: (PMID: 23374275, 9058718, 25525159, 7557965, 11129345, 32888943)

Women's Health and Genetics/Laboratory Corporation of America, LabCorp
Classification: Pathogenic for X-linked severe combined immunodeficiency. Last evaluated: 2019-09-20. Review status: criteria provided, single submitter. Criteria: LabCorp Variant Classification Summary - May 2015. Collection method: clinical testing. Allele origin: germline. Not counted in ClinVar's aggregate classification.
Comment: Variant summary: IL2RG c.703C>T (p.Gln235X) results in a premature termination codon, predicted to cause a truncation of the encoded protein or absence of the protein due to nonsense mediated decay, which are commonly known mechanisms for disease. The variant was absent in 183442 control chromosomes (gnomAD). c.703C>T has been reported in the literature in individuals affected with X-Linked Severe Combined Immunodeficiency (e.g. Clark_1995, Kumaki_2000, Puck_1997, Rosenzweig_2013). These data indicate that the variant is likely to be associated with disease. A ClinVar submitter (evaluation after 2014) cites the variant as pathogenic. Based on the evidence outlined above, the variant was classified as pathogenic.

Literature cited by the submitters: PubMed 9058718 (cited by Women's Health and Genetics/Laboratory Corporation of America, LabCorp); PubMed 11129345 (cited by Women's Health and Genetics/Laboratory Corporation of America, LabCorp); PubMed 7557965 (cited by Women's Health and Genetics/Laboratory Corporation of America, LabCorp); PubMed 8522327 (cited by Women's Health and Genetics/Laboratory Corporation of America, LabCorp); PubMed 12070011 (cited by Women's Health and Genetics/Laboratory Corporation of America, LabCorp); PubMed 23374275 (cited by Women's Health and Genetics/Laboratory Corporation of America, LabCorp).